The following is an entry in ClinVar:

NM_004187.5(KDM5C):c.2371C>T (p.Leu791Phe)

Gene: KDM5C (lysine demethylase 5C; minus strand). Cytogenetic location: Xp11.22.
Variant type: single nucleotide variant.
Coding change: c.2371C>T on transcript NM_004187.5 (MANE Select); coding-DNA position 2371, C replaced by T.
Protein change: p.Leu791Phe; replaces leucine 791 with phenylalanine.
Molecular consequence: missense variant. On other transcripts: non-coding transcript variant (3).
Genome position (GRCh38, 1-based): chrX:53,198,635, G>A on the plus strand (C>T on the coding strand, the complement: KDM5C is on the minus strand). VCF-style: chrX-53198635-G-A. GRCh37 (hg19) VCF-style: chrX-53227817-G-A.
Other names: c.2170C>T, p.Leu724Phe (NM_001146702.2); c.2368C>T, p.Leu790Phe (NM_001282622.3, NM_001353979.2, NM_001353982.2); c.2371C>T, p.Leu791Phe (NM_001353978.3, NM_001353981.2, NM_001353984.2); short protein forms L724F, L790F, L791F.
Identifiers: ClinVar variation 3360943 (VCV003360943.2).

ClinVar aggregate classification (germline): Uncertain significance (1 of 4 stars; one submission).

Submission:

GeneDx
Classification: Uncertain significance. Last evaluated: 2025-10-15. Review status: criteria provided, single submitter. Criteria: GeneDx Variant Classification Process June 2021. Collection method: clinical testing. Allele origin: germline.
Comment: Not observed at significant frequency in large population cohorts (gnomAD); In silico analysis supports that this missense variant does not alter protein structure/function; Has not been previously published as pathogenic or benign to our knowledge